The following is an entry in ClinVar:

ClinVar aggregate classification (germline): Uncertain significance (1 of 4 stars; one submission).

Conditions:
Hepatic veno-occlusive disease-immunodeficiency syndrome. Also called: Hepatic Veno-Occlusive Disease with Immunodeficiency. Identifiers: Orphanet 79124, MedGen C1856128, MONDO:0009338, OMIM 235550. Disease mechanism: loss of function.

Allele frequency attached by ClinVar (database versions not stated): ExAC 0.00001; gnomAD 0.00001; gnomAD exomes 0.00001; TOPMed 0.00001; ESP Exome Variant Server 0.00008.
gnomAD v4.1: 11 of 1,610,086 alleles (0.00068%); highest among the groups gnomAD compares: Non-Finnish European, 0.00094%; no homozygotes.

Submission:

Labcorp Genetics (formerly Invitae), Labcorp
Classification: Uncertain significance for Hepatic veno-occlusive disease-immunodeficiency syndrome. Last evaluated: 2022-03-12. Review status: criteria provided, single submitter. Criteria: Invitae Variant Classification Sherloc (09022015). Collection method: clinical testing. Allele origin: germline.
Comment: In summary, the available evidence is currently insufficient to determine the role of this variant in disease. Therefore, it has been classified as a Variant of Uncertain Significance. Algorithms developed to predict the effect of missense changes on protein structure and function (SIFT, PolyPhen-2, Align-GVGD) all suggest that this variant is likely to be tolerated. This variant has not been reported in the literature in individuals affected with SP110-related conditions. This variant is present in population databases (rs374878527, gnomAD 0.003%). This sequence change replaces glutamine, which is neutral and polar, with arginine, which is basic and polar, at codon 222 of the SP110 protein (p.Gln222Arg).

NM_080424.4(SP110):c.665A>G (p.Gln222Arg)

Genes: SP140 (SP140 nuclear body protein; plus strand), SP110 (SP110 nuclear body protein; minus strand). Cytogenetic location: 2q37.1.
Variant type: single nucleotide variant.
Coding change: c.665A>G on transcript NM_080424.4 (MANE Select); coding-DNA position 665, A replaced by G.
Protein change: p.Gln222Arg; replaces glutamine 222 with arginine.
Molecular consequence: missense variant.
Genome position (GRCh38, 1-based): chr2:230,212,349, T>C on the plus strand (A>G on the coding strand, the complement: SP110 is on the minus strand). VCF-style: chr2-230212349-T-C. GRCh37 (hg19) VCF-style: chr2-231077064-T-C.
Other names: c.683A>G, p.Gln228Arg (NM_001185015.2, NM_001378442.1, NM_001378444.1 and 2 more transcripts); c.665A>G, p.Gln222Arg (NM_001378443.1, NM_001378447.1, NM_004509.5 and 1 more transcripts); short protein forms Q228R, Q222R.
Identifiers: ClinVar variation 1982075 (VCV001982075.3), dbSNP rs374878527, ClinGen allele CA2154777.